The following is an entry in ClinVar:

NM_001394062.1(MACF1):c.1773A>C (p.Val591=)

Gene: MACF1 (microtubule actin crosslinking factor 1; plus strand). Cytogenetic location: 1p34.3.
Variant type: single nucleotide variant.
Coding change: c.1773A>C on transcript NM_001394062.1 (MANE Select); coding-DNA position 1773, A replaced by C.
Protein change: p.Val591=; no amino-acid change (valine 591 retained).
Molecular consequence: synonymous variant.
Genome position (GRCh38, 1-based): chr1:39,287,550, A>C. VCF-style: chr1-39287550-A-C. GRCh37 (hg19) VCF-style: chr1-39753222-A-C.
Other names: c.1788A>C, p.Val596= (NM_012090.5).
Identifiers: ClinVar variation 2854072 (VCV002854072.5), dbSNP rs752960815, ClinGen allele CA779507.
Genomic context (GRCh38, chr1:39,287,550, plus strand): 5'-CATCAGCTCCTCTGAAGATGAAGGCAATCTCCGATTTGTGTATGAACTACTGTCTTGGGT[A>C]GAAGAGATGCAGGTGGGTGCATATCCAAAAGCTTATGCAGTACACTGATGTTTACTGGAT-3'
Protein context (NP_001380991.1, residues 581-601): LRFVYELLSW[Val591=]EEMQMKLERA

ClinVar aggregate classification (germline): Likely benign. Review status: criteria provided, single submitter (1 of 4 stars). 2 submissions from 2 submitters: Likely benign (1). 1 of the submissions does not count toward it. Last evaluated 2025-09-02.

Conditions:
MACF1-related disorder. Also called: MACF1-related condition.

Allele frequency attached by ClinVar (database versions not stated): gnomAD exomes 0.00002; gnomAD 0.00004; ExAC 0.00002; TOPMed 0.00006.
gnomAD v4.1: 31 of 1,614,120 alleles (0.0019%); highest among the groups gnomAD compares: Admixed American, 0.048%; no homozygotes.

Submissions (2):

Labcorp Genetics (formerly Invitae), Labcorp
Classification: Likely benign. Last evaluated: 2025-09-02. Review status: criteria provided, single submitter. Criteria: Invitae Variant Classification Sherloc (09022015). Collection method: clinical testing. Allele origin: germline.

PreventionGenetics, part of Exact Sciences
Classification: Likely benign for MACF1-related condition. Last evaluated: 2021-05-26. Review status: no assertion criteria provided. Collection method: clinical testing. Allele origin: germline. Not counted in ClinVar's aggregate classification.
Comment: This variant is classified as likely benign based on ACMG/AMP sequence variant interpretation guidelines (Richards et al. 2015 PMID: 25741868, with internal and published modifications).